The following is an entry in ClinVar:

NM_005273.4(GNB2):c.667A>G (p.Ile223Val)

Gene: GNB2 (G protein subunit beta 2; plus strand). Cytogenetic location: 7q22.1.
Variant type: single nucleotide variant.
Coding change: c.667A>G on transcript NM_005273.4 (MANE Select); coding-DNA position 667, A replaced by G.
Protein change: p.Ile223Val; replaces isoleucine 223 with valine.
Molecular consequence: missense variant.
Genome position (GRCh38, 1-based): chr7:100,678,267, A>G. VCF-style: chr7-100678267-A-G. GRCh37 (hg19) VCF-style: chr7-100275890-A-G.
Other names: short protein forms I223V.
Identifiers: ClinVar variation 4885057 (VCV004885057.2).

ClinVar aggregate classification (germline): Uncertain significance (1 of 4 stars; one submission).

gnomAD v4.1: 21 of 1,613,844 alleles (0.0013%); highest among the groups gnomAD compares: Non-Finnish European, 0.0016%; no homozygotes.

Submission:

Dasa
Classification: Uncertain significance. Last evaluated: 2026-02-09. Review status: criteria provided, single submitter. Criteria: DASA Assertion Criteria. Collection method: clinical testing. Allele origin: germline.
Comment: NM_005273.4(GNB2):c.667A>G (p.Ile223Val) is a missense variant that results in the substitution of isoleucine with valine. This variant is rare in population databases. Computational prediction algorithms are consistent with a benign effect. The currently available literature and clinical evidence are not sufficient to establish a definitive association between this variant and the reported condition. Therefore, this variant is classified as a variant of uncertain significance.